The following is an entry in ClinVar:

ClinVar aggregate classification (germline): Benign/Likely benign. Review status: criteria provided, multiple submitters, no conflicts (2 of 4 stars). 15 submissions from 14 submitters: Benign (10); Likely benign (2). 3 of the submissions do not count toward it. Last evaluated 2026-02-03.

Conditions:
Cardiovascular phenotype. Identifiers: MedGen CN230736.
Cardiac arrhythmia. Also called: Arrhythmia; Cardiac rhythm disease. Identifiers: MedGen C0003811, MONDO:0007263, HP:0011675.
Arrhythmogenic right ventricular dysplasia 12. Also called: ARRHYTHMOGENIC RIGHT VENTRICULAR DYSPLASIA, FAMILIAL, 12. Identifiers: MedGen C1969081, MONDO:0012684, OMIM 611528.
Naxos disease (NXD). Also called: KERATOSIS PALMOPLANTARIS WITH ARRHYTHMOGENIC CARDIOMYOPATHY; MAL DE NAXOS; CARDIOMYOPATHY, ARRHYTHMOGENIC RIGHT VENTRICULAR, WITH SKIN, HAIR, AND NAIL ABNORMALITIES; PALMOPLANTAR KERATODERMA WITH ARRHYTHMOGENIC RIGHT VENTRICULAR CARDIOMYOPATHY AND WOOLLY HAIR; WOOLLY HAIR, PALMOPLANTAR KERATODERMA, AND CARDIAC ABNORMALITIES. Identifiers: Orphanet 34217, MedGen C1832600, MONDO:0011017, OMIM 601214.
Cardiomyopathy (CMYO). Also called: Cardiomyopathies. Identifiers: Orphanet 167848, MedGen C0878544, MONDO:0004994, HP:0001638. Inheritance: Various modes of inheritance.

Allele frequency attached by ClinVar (database versions not stated): ExAC 0.00464; 1000 Genomes Project 30x 0.01624; gnomAD exomes 0.00141 and 0.00368; 1000 Genomes Project 0.01478; gnomAD 0.01591 and 0.01475; TOPMed 0.01645; ESP Exome Variant Server 0.01653.
gnomAD v4.1: 4,359 of 1,614,166 alleles (0.27%); highest among the groups gnomAD compares: African/African-American, 5.3%; 112 homozygotes.

Submissions (15):

Labcorp Genetics (formerly Invitae), Labcorp
Classification: Benign for Arrhythmogenic right ventricular dysplasia 12; Naxos disease. Last evaluated: 2026-02-03. Review status: criteria provided, single submitter. Criteria: Invitae Variant Classification Sherloc (09022015). Collection method: clinical testing. Allele origin: germline.

ARUP Laboratories, Molecular Genetics and Genomics, ARUP Laboratories
Classification: Benign. Last evaluated: 2025-07-01. Review status: criteria provided, single submitter. Criteria: ARUP Molecular Germline Variant Investigation Process 2024. Collection method: clinical testing. Allele origin: germline.

Molecular Diagnostic Laboratory for Inherited Cardiovascular Disease, Montreal Heart Institute
Classification: Benign. Last evaluated: 2025-04-09. Review status: criteria provided, single submitter. Criteria: ACMG Guidelines, 2015. Collection method: clinical testing. Allele origin: germline. Affected: no.

Illumina Laboratory Services, Illumina
Classification: Likely benign for Naxos disease. Last evaluated: 2018-01-13. Review status: criteria provided, single submitter. Criteria: ICSL Variant Classification Criteria 13 December 2019. Collection method: clinical testing. Allele origin: germline.
Comment: This variant was observed in the ICSL laboratory as part of a predisposition screen in an ostensibly healthy population. It had not been previously curated by ICSL or reported in the Human Gene Mutation Database (HGMD: prior to June 1st, 2018), and was therefore a candidate for classification through an automated scoring system. Utilizing variant allele frequency, disease prevalence and penetrance estimates, and inheritance mode, an automated score was calculated to assess if this variant is too frequent to cause the disease. Based on the score and internal cut-off values, a variant classified as likely benign is not then subjected to further curation. The score for this variant resulted in a classification of likely benign for this disease.

Illumina Laboratory Services, Illumina
Classification: Benign for Arrhythmogenic right ventricular dysplasia 12. Last evaluated: 2018-01-13. Review status: criteria provided, single submitter. Criteria: ICSL Variant Classification Criteria 13 December 2019. Collection method: clinical testing. Allele origin: germline.
Comment: This variant was observed in the ICSL laboratory as part of a predisposition screen in an ostensibly healthy population. It had not been previously curated by ICSL or reported in the Human Gene Mutation Database (HGMD: prior to June 1st, 2018), and was therefore a candidate for classification through an automated scoring system. Utilizing variant allele frequency, disease prevalence and penetrance estimates, and inheritance mode, an automated score was calculated to assess if this variant is too frequent to cause the disease. Based on the score and internal cut-off values, a variant classified as benign is not then subjected to further curation. The score for this variant resulted in a classification of benign for this disease.

CHEO Genetics Diagnostic Laboratory, Children's Hospital of Eastern Ontario
Classification: Benign for Cardiomyopathy. Last evaluated: 2016-06-17. Review status: criteria provided, single submitter. Criteria: ACMG Guidelines, 2015. Collection method: clinical testing. Allele origin: germline. Study: Canadian Open Genetics Repository.

Mayo Clinic Laboratories, Mayo Clinic
Classification: Benign. Last evaluated: 2016-02-02. Review status: criteria provided, single submitter. Criteria: ACMG Guidelines, 2015. Collection method: clinical testing. Allele origin: germline. Observed: 22 variant alleles.

Ambry Genetics
Classification: Benign for Cardiovascular phenotype. Last evaluated: 2015-07-28. Review status: criteria provided, single submitter. Criteria: Ambry Variant Classification Scheme 2023. Collection method: clinical testing. Allele origin: germline.

GeneDx
Classification: Benign. Last evaluated: 2014-01-06. Review status: criteria provided, single submitter. Criteria: GeneDx Variant Classification (06012015). Collection method: clinical testing. Allele origin: germline. Affected: yes.
Comment: This variant is considered likely benign or benign based on one or more of the following criteria: it is a conservative change, it occurs at a poorly conserved position in the protein, it is predicted to be benign by multiple in silico algorithms, and/or has population frequency not consistent with disease.

Laboratory for Molecular Medicine, Mass General Brigham Personalized Medicine
Classification: Benign. Last evaluated: 2012-01-13. Review status: criteria provided, single submitter. Criteria: LMM Criteria. Collection method: clinical testing. Allele origin: germline. Observed: 24 variant alleles.

Women's Health and Genetics/Laboratory Corporation of America, LabCorp
Classification: Benign for Arrhythmia. Last evaluated: 2011-08-18. Review status: criteria provided, single submitter. Criteria: LabCorp Variant Classification Summary - May 2015. Collection method: curation. Allele origin: germline. Inheritance: autosomal unknown. Affected: yes.
ClinVar note: Converted during submission from benign to Benign.

Breakthrough Genomics
Classification: Likely benign. Review status: criteria provided, single submitter. Criteria: ACMG Guidelines, 2015. Collection method: not provided. Allele origin: germline. Inheritance: Autosomal recessive inheritance. Affected: yes.

Clinical Genetics DNA and cytogenetics Diagnostics Lab, Erasmus MC, Erasmus Medical Center
Classification: Benign. Review status: no assertion criteria provided. Collection method: clinical testing. Allele origin: germline. Affected: yes. Study: VKGL Data-share Consensus. Not counted in ClinVar's aggregate classification.

Clinical Genetics, Academic Medical Center
Classification: Benign. Review status: no assertion criteria provided. Collection method: clinical testing. Allele origin: germline. Affected: yes. Study: VKGL Data-share Consensus. Not counted in ClinVar's aggregate classification.

Joint Genome Diagnostic Labs from Nijmegen and Maastricht, Radboudumc and MUMC+
Classification: Likely benign. Review status: no assertion criteria provided. Collection method: clinical testing. Allele origin: germline. Affected: yes. Study: VKGL Data-share Consensus. Not counted in ClinVar's aggregate classification.

NM_002230.4(JUP):c.867C>T (p.Thr289=)

Gene: JUP (junction plakoglobin; minus strand). Cytogenetic location: 17q21.2.
Variant type: single nucleotide variant.
Coding change: c.867C>T on transcript NM_002230.4 (MANE Select); coding-DNA position 867, C replaced by T.
Protein change: p.Thr289=; no amino-acid change (threonine 289 retained).
Molecular consequence: synonymous variant.
Genome position (GRCh38, 1-based): chr17:41,767,421, G>A on the plus strand (C>T on the coding strand, the complement: JUP is on the minus strand). VCF-style: chr17-41767421-G-A. GRCh37 (hg19) VCF-style: chr17-39923673-G-A.
Other names: p.T289T:ACC>ACT; p.Thr289=; c.867C>T (NM_002230.3); c.867C>T, p.Thr289= (NM_001352773.2, NM_001352774.2, NM_001352775.2 and 3 more transcripts).
Identifiers: ClinVar variation 36425 (VCV000036425.44), dbSNP rs2230407, ClinGen allele CA137240.